The following is an entry in ClinVar:

NM_001386795.1(DTNA):c.331C>T (p.Leu111Phe)

Gene: DTNA (dystrobrevin alpha; plus strand). Cytogenetic location: 18q12.1.
Variant type: single nucleotide variant.
Coding change: c.331C>T on transcript NM_001386795.1 (MANE Select); coding-DNA position 331, C replaced by T.
Protein change: p.Leu111Phe; replaces leucine 111 with phenylalanine.
Molecular consequence: missense variant.
Genome position (GRCh38, 1-based): chr18:34,794,219, C>T. VCF-style: chr18-34794219-C-T. GRCh37 (hg19) VCF-style: chr18-32374183-C-T.
Other names: c.331C>T, p.Leu111Phe (NM_001128175.2, NM_001198938.2, NM_001198939.2 and 35 more transcripts); short protein forms L111F.
Identifiers: ClinVar variation 450800 (VCV000450800.4), dbSNP rs1555801105, ClinGen allele CA402275145.

ClinVar aggregate classification (germline): Uncertain significance. Review status: criteria provided, multiple submitters, no conflicts (2 of 4 stars). 2 submissions from 2 submitters: Uncertain significance (2). Last evaluated 2024-08-18.

Conditions:
Left ventricular noncompaction 1 (LVNC1). Also called: LEFT VENTRICULAR NONCOMPACTION 1 WITH OR WITHOUT CONGENITAL HEART DEFECTS. Identifiers: Orphanet 54260, MedGen C1858725, MONDO:0011403, OMIM 604169.

Submissions (2):

Labcorp Genetics (formerly Invitae), Labcorp
Classification: Uncertain significance for Left ventricular noncompaction 1. Last evaluated: 2024-08-18. Review status: criteria provided, single submitter. Criteria: Invitae Variant Classification Sherloc (09022015). Collection method: clinical testing. Allele origin: germline.
Comment: This sequence change replaces leucine, which is neutral and non-polar, with phenylalanine, which is neutral and non-polar, at codon 111 of the DTNA protein (p.Leu111Phe). This variant is not present in population databases (gnomAD no frequency). This variant has not been reported in the literature in individuals affected with DTNA-related conditions. ClinVar contains an entry for this variant (Variation ID: 450800). Invitae Evidence Modeling of protein sequence and biophysical properties (such as structural, functional, and spatial information, amino acid conservation, physicochemical variation, residue mobility, and thermodynamic stability) has been performed for this missense variant. However, the output from this modeling did not meet the statistical confidence thresholds required to predict the impact of this variant on DTNA protein function. In summary, the available evidence is currently insufficient to determine the role of this variant in disease. Therefore, it has been classified as a Variant of Uncertain Significance.

GeneDx
Classification: Uncertain significance. Last evaluated: 2017-08-08. Review status: criteria provided, single submitter. Criteria: GeneDx Variant Classification (06012015). Collection method: clinical testing. Allele origin: germline. Affected: yes.
Comment: The L111F variant in the DTNA gene has not been reported previously as a pathogenic variant, nor as a benign variant, to our knowledge. The L111F variant is not observed in large population cohorts (Lek et al., 2016; 1000 Genomes Consortium et al., 2015; Exome Variant Server). The L111F variant is a conservative amino acid substitution, which is not likely to impact secondary protein structure as these residues share similar properties. This substitution occurs at a position that is conserved across species. In silico analysis predicts this variant is probably damaging to the protein structure/function. We interpret L111F as a variant of uncertain significance,